The following is an entry in ClinVar:

NM_025074.7(FRAS1):c.7336C>T (p.Leu2446=)

Gene: FRAS1 (Fraser extracellular matrix complex subunit 1; plus strand). Cytogenetic location: 4q21.21.
Variant type: single nucleotide variant.
Coding change: c.7336C>T on transcript NM_025074.7 (MANE Select); coding-DNA position 7336, C replaced by T.
Protein change: p.Leu2446=; no amino-acid change (leucine 2446 retained).
Molecular consequence: synonymous variant.
Genome position (GRCh38, 1-based): chr4:78,470,056, C>T. VCF-style: chr4-78470056-C-T. GRCh37 (hg19) VCF-style: chr4-79391210-C-T.
Other names: c.7336C>T (NM_025074.6).
Identifiers: ClinVar variation 2970425 (VCV002970425.4), dbSNP rs868145442, ClinGen allele CA99988452.

ClinVar aggregate classification (germline): Likely benign. Review status: criteria provided, multiple submitters, no conflicts (2 of 4 stars). 2 submissions from 2 submitters: Likely benign (2). Last evaluated 2025-12-19.

Conditions:
FRAS1-related disorder. Also called: FRAS1-related condition.

Allele frequency attached by ClinVar (database versions not stated): TOPMed below 0.00001.
gnomAD v4.1: 2 of 1,613,508 alleles (0.00012%); highest among the groups gnomAD compares: Admixed American, 0.0017%; no homozygotes.

Submissions (2):

Labcorp Genetics (formerly Invitae), Labcorp
Classification: Likely benign. Last evaluated: 2025-12-19. Review status: criteria provided, single submitter. Criteria: Invitae Variant Classification Sherloc (09022015). Collection method: clinical testing. Allele origin: germline.

PreventionGenetics, part of Exact Sciences
Classification: Likely benign for FRAS1-related condition. Last evaluated: 2025-02-05. Review status: criteria provided, single submitter. Criteria: ACMG Guidelines, 2015. Collection method: clinical testing. Allele origin: germline.
Comment: This variant is classified as likely benign based on ACMG/AMP sequence variant interpretation guidelines (Richards et al. 2015 PMID: 25741868, with internal and published modifications).